The following is an entry in ClinVar:

NM_001005242.3(PKP2):c.1999G>C (p.Ala667Pro)

Gene: PKP2 (plakophilin 2; minus strand). Cytogenetic location: 12p11.21.
Variant type: single nucleotide variant.
Coding change: c.1999G>C on transcript NM_001005242.3 (MANE Select); coding-DNA position 1999, G replaced by C.
Protein change: p.Ala667Pro; replaces alanine 667 with proline.
Molecular consequence: missense variant.
Genome position (GRCh38, 1-based): chr12:32,821,370, C>G on the plus strand (G>C on the coding strand, the complement: PKP2 is on the minus strand). VCF-style: chr12-32821370-C-G. GRCh37 (hg19) VCF-style: chr12-32974304-C-G.
Other names: c.1999G>C, p.Ala667Pro (NM_001407155.1, NM_001407161.1); c.1834G>C, p.Ala612Pro (NM_001407156.1); c.2131G>C, p.Ala711Pro (NM_001407157.1, NM_004572.4); c.1672G>C, p.Ala558Pro (NM_001407158.1, NM_001407159.1, NM_001407160.1 and 1 more transcripts); short protein forms A558P, A612P, A667P, A711P.
Identifiers: ClinVar variation 3074764 (VCV003074764.1), dbSNP rs1330217549, ClinGen allele CA384361573.

ClinVar aggregate classification (germline): Uncertain significance (1 of 4 stars; one submission).

Conditions:
Arrhythmogenic right ventricular cardiomyopathy (ARVD). Also called: Arrhythmogenic right ventricular dysplasia; Cardiomyopathy, ARVC; Arrhythmogenic cardiomyopathy; Arrhythmogenic Right Ventricular Cardiomyopathy (ARVC). Identifiers: Orphanet 247, MedGen C0349788, MeSH D019571, MONDO:0016587. Disease mechanism: loss of function. Inheritance: Various modes of inheritance.

Allele frequency attached by ClinVar (database versions not stated): gnomAD 0.00001.
gnomAD v4.1: 1 of 1,613,970 alleles (0.000062%); highest among the groups gnomAD compares: African/African-American, 0.0013%; no homozygotes.

Submission:

All of Us Research Program, National Institutes of Health
Classification: Uncertain significance for Arrhythmogenic right ventricular cardiomyopathy. Last evaluated: 2023-12-13. Review status: criteria provided, single submitter. Criteria: ACMG Guidelines, 2015. Collection method: clinical testing. Allele origin: germline. Inheritance: Autosomal dominant inheritance. Observed: 1 variant allele, 1 heterozygote.
Comment: This missense variant replaces alanine with proline at codon 711 of the PKP2 protein. Computational prediction suggests that this variant may not impact protein structure and function (internally defined REVEL score threshold <= 0.5, PMID: 27666373). To our knowledge, functional studies have not been reported for this variant. This variant has not been reported in individuals affected with PKP2-related disorders in the literature. This variant has been identified in 1/31398 chromosomes in the general population by the Genome Aggregation Database (gnomAD). The available evidence is insufficient to determine the role of this variant in disease conclusively. Therefore, this variant is classified as a Variant of Uncertain Significance.

This study involves interpretation of variants in research participants for the purpose of population health screening. Participant phenotype was not available at the time of variant classification. Additional details can be found in publication PMID: 35346344, PMCID: PMC8962531